The following is an entry in ClinVar:

NM_016816.4(OAS1):c.766C>T (p.Arg256Trp)

Gene: OAS1 (2'-5'-oligoadenylate synthetase 1; plus strand). Cytogenetic location: 12q24.13.
Variant type: single nucleotide variant.
Coding change: c.766C>T on transcript NM_016816.4 (MANE Select); coding-DNA position 766, C replaced by T.
Protein change: p.Arg256Trp; replaces arginine 256 with tryptophan.
Molecular consequence: missense variant.
Genome position (GRCh38, 1-based): chr12:112,916,620, C>T. VCF-style: chr12-112916620-C-T. GRCh37 (hg19) VCF-style: chr12-113354425-C-T.
Other names: c.766C>T (NM_016816.2); c.766C>T, p.Arg256Trp (NM_001032409.3, NM_001320151.2, NM_002534.4); short protein forms R256W.
Identifiers: ClinVar variation 1524592 (VCV001524592.7), dbSNP rs770111680, ClinGen allele CA6799883.
Genomic context (GRCh38, chr12:112,916,620, plus strand): 5'-ACGGTCTATGCTTGGGAGCGAGGGAGCATGAAAACACATTTCAACACAGCCCAGGGATTT[C>T]GGACGGTCTTGGAATTAGTCATAAACTACCAGCAACTCTGCATCTACTGGACAAAGTATT-3'
Protein context (NP_058132.2, residues 246-266): KTHFNTAQGF[Arg256Trp]TVLELVINYQ

ClinVar aggregate classification (germline): Uncertain significance. Review status: criteria provided, multiple submitters, no conflicts (2 of 4 stars). 2 submissions from 2 submitters: Uncertain significance (2). Last evaluated 2025-02-08.

Allele frequency attached by ClinVar (database versions not stated): ExAC 0.00002; gnomAD exomes 0.00003 and 0.00004; gnomAD 0.00013 and 0.00014; TOPMed 0.00014.
gnomAD v4.1: 65 of 1,613,998 alleles (0.004%); highest among the groups gnomAD compares: Admixed American, 0.028%; no homozygotes.

Submissions (2):

Ambry Genetics
Classification: Uncertain significance. Last evaluated: 2025-02-08. Review status: criteria provided, single submitter. Criteria: Ambry Variant Classification Scheme 2023. Collection method: clinical testing. Allele origin: germline.

Labcorp Genetics (formerly Invitae), Labcorp
Classification: Uncertain significance. Last evaluated: 2024-03-28. Review status: criteria provided, single submitter. Criteria: Invitae Variant Classification Sherloc (09022015). Collection method: clinical testing. Allele origin: germline.
Comment: This sequence change replaces arginine, which is basic and polar, with tryptophan, which is neutral and slightly polar, at codon 256 of the OAS1 protein (p.Arg256Trp). This variant is present in population databases (rs770111680, gnomAD 0.02%). This variant has not been reported in the literature in individuals affected with OAS1-related conditions. ClinVar contains an entry for this variant (Variation ID: 1524592). An algorithm developed to predict the effect of missense changes on protein structure and function (PolyPhen-2) suggests that this variant is likely to be disruptive. In summary, the available evidence is currently insufficient to determine the role of this variant in disease. Therefore, it has been classified as a Variant of Uncertain Significance.